The following is an entry in ClinVar:

ClinVar aggregate classification (germline): Uncertain significance. Review status: criteria provided, multiple submitters, no conflicts (2 of 4 stars). 2 submissions from 2 submitters: Uncertain significance (2). Last evaluated 2025-06-03.

Conditions:
Epidermolysis bullosa simplex, Ogna type (EBS5A). Also called: Pidermolysis bullosa simplex 5A, Ogna type; EPIDERMOLYSIS BULLOSA SIMPLEX 5A, OGNA TYPE. Identifiers: Orphanet 79401, MedGen C0432317, MONDO:0007555, OMIM 131950.
Autosomal recessive limb-girdle muscular dystrophy type 2Q (LGMDR17). Also called: MUSCULAR DYSTROPHY, LIMB-GIRDLE, AUTOSOMAL RECESSIVE 17. Identifiers: Orphanet 254361, MedGen C3150989, MONDO:0013390, OMIM 613723.
Epidermolysis bullosa simplex 5B, with muscular dystrophy (EBS5B). Also called: Epidermolysis bullosa simplex with muscular dystrophy; EPIDERMOLYSIS BULLOSA SIMPLEX AND LIMB-GIRDLE MUSCULAR DYSTROPHY. Identifiers: Orphanet 257, MedGen C2931072, MONDO:0009181, OMIM 226670.
Epidermolysis bullosa simplex with nail dystrophy (EBS5D). Identifiers: MedGen C4225309, MONDO:0014661, OMIM 616487.
Epidermolysis bullosa simplex 5C, with pyloric atresia (EBS5C). Also called: PLEC-Related Epidermolysis Bullosa with Pyloric Atresia; Epidermolysis bullosa simplex with pyloric atresia; PLEC1-Related Epidermolysis Bullosa with Pyloric Atresia. Identifiers: Orphanet 158684, MedGen C2677349, MONDO:0012807, OMIM 612138.

Allele frequency attached by ClinVar (database versions not stated): TOPMed 0.00004.
gnomAD v4.1: 27 of 1,612,856 alleles (0.0017%); highest among the groups gnomAD compares: Non-Finnish European, 0.0022%; 1 homozygote.

Submissions (2):

Labcorp Genetics (formerly Invitae), Labcorp
Classification: Uncertain significance for Autosomal recessive limb-girdle muscular dystrophy type 2Q; Epidermolysis bullosa simplex, Ogna type; Epidermolysis bullosa simplex with nail dystrophy; Epidermolysis bullosa simplex 5C, with pyloric atresia; Epidermolysis bullosa simplex 5B, with muscular dystrophy. Last evaluated: 2025-06-03. Review status: criteria provided, single submitter. Criteria: Invitae Variant Classification Sherloc (09022015). Collection method: clinical testing. Allele origin: germline.
Comment: This sequence change replaces valine, which is neutral and non-polar, with leucine, which is neutral and non-polar, at codon 4163 of the PLEC protein (p.Val4163Leu). This variant is present in population databases (rs749212061, gnomAD 0.004%), including at least one homozygous and/or hemizygous individual. This variant has not been reported in the literature in individuals affected with PLEC-related conditions. ClinVar contains an entry for this variant (Variation ID: 478627). An algorithm developed to predict the effect of missense changes on protein structure and function (PolyPhen-2) suggests that this variant is likely to be disruptive. In summary, the available evidence is currently insufficient to determine the role of this variant in disease. Therefore, it has been classified as a Variant of Uncertain Significance.

CeGaT Center for Human Genetics Tuebingen
Classification: Uncertain significance. Last evaluated: 2024-03-01. Review status: criteria provided, single submitter. Criteria: CeGaT Center For Human Genetics Tuebingen Variant Classification Criteria Version 2. Collection method: clinical testing. Allele origin: germline. Affected: yes. Observed: 1 variant allele.

NM_201384.3(PLEC):c.12406G>C (p.Val4136Leu)

Gene: PLEC (plectin; minus strand). Cytogenetic location: 8q24.3.
Variant type: single nucleotide variant.
Coding change: c.12406G>C on transcript NM_201384.3 (MANE Select); coding-DNA position 12406, G replaced by C.
Protein change: p.Val4136Leu; replaces valine 4136 with leucine.
Molecular consequence: missense variant.
Genome position (GRCh38, 1-based): chr8:143,917,415, C>G on the plus strand (G>C on the coding strand, the complement: PLEC is on the minus strand). VCF-style: chr8-143917415-C-G. GRCh37 (hg19) VCF-style: chr8-144991583-C-G.
Other names: c.12487G>C, p.Val4163Leu (NM_000445.5); c.12364G>C, p.Val4122Leu (NM_201378.4); c.12340G>C, p.Val4114Leu (NM_201379.3); c.12817G>C, p.Val4273Leu (NM_201380.4); c.12310G>C, p.Val4104Leu (NM_201381.3); c.12406G>C, p.Val4136Leu (NM_201382.4); c.12418G>C, p.Val4140Leu (NM_201383.3); short protein forms V4273L, V4122L, V4140L, V4163L, V4136L, V4104L, V4114L.
Identifiers: ClinVar variation 478627 (VCV000478627.33), dbSNP rs749212061, ClinGen allele CA187607165.